The following is an entry in ClinVar:

ClinVar aggregate classification (germline): Uncertain significance (1 of 4 stars; one submission).

Conditions:
Inborn genetic diseases. Identifiers: MedGen C0950123, MeSH D030342.

Submission:

Ambry Genetics
Classification: Uncertain significance for Inborn genetic diseases. Last evaluated: 2026-01-17. Review status: criteria provided, single submitter. Criteria: Ambry Variant Classification Scheme 2023. Collection method: clinical testing. Allele origin: germline.
Comment: The p.F342L variant (also known as c.1026C>A), located in coding exon 5 of the RECQL4 gene, results from a C to A substitution at nucleotide position 1026. The phenylalanine at codon 342 is replaced by leucine, an amino acid with highly similar properties. This amino acid position is conserved. In addition, this alteration is predicted to be tolerated by in silico analysis. Based on the available evidence, the clinical significance of this variant remains unclear.

NM_004260.4(RECQL4):c.1026C>A (p.Phe342Leu)

Gene: RECQL4 (RecQ like helicase 4; minus strand). Cytogenetic location: 8q24.3.
Variant type: single nucleotide variant.
Coding change: c.1026C>A on transcript NM_004260.4 (MANE Select); coding-DNA position 1026, C replaced by A.
Protein change: p.Phe342Leu; replaces phenylalanine 342 with leucine.
Molecular consequence: missense variant. On other transcripts: 5 prime UTR variant (16), non-coding transcript variant (3), intron variant (3).
Genome position (GRCh38, 1-based): chr8:144,516,093, G>T on the plus strand (C>A on the coding strand, the complement: RECQL4 is on the minus strand). VCF-style: chr8-144516093-G-T. GRCh37 (hg19) VCF-style: chr8-145741477-G-T.
Other names: c.1026C>A, p.Phe342Leu (NM_001413018.1, NM_001413019.1, NM_001413033.1 and 2 more transcripts); c.-46C>A (NM_001413021.1, NM_001413022.1, NM_001413023.1 and 7 more transcripts); c.897C>A, p.Phe299Leu (NM_001413025.1); c.-108C>A (NM_001413027.1, NM_001413030.1, NM_001413031.1 and 2 more transcripts); c.675C>A, p.Phe225Leu (NM_001413029.1); c.-315C>A (NM_001413043.1); c.954-24C>A (NM_001413017.1, NM_001413020.1); c.-22-24C>A (NM_001413034.1); short protein forms F225L, F342L, F299L.
Identifiers: ClinVar variation 4844344 (VCV004844344.1).